The following is an entry in ClinVar:

NM_001048174.2(MUTYH):c.349del (p.Thr116_Val117insTer)

Gene: MUTYH (mutY DNA glycosylase; minus strand). Cytogenetic location: 1p34.1.
Variant type: Deletion.
Coding change: c.349del on transcript NM_001048174.2 (MANE Select); coding-DNA position 349, one base deleted (G; older notation c.349delG).
Protein change: p.Thr116_Val117insTer.
Molecular consequence: nonsense. On other transcripts: non-coding transcript variant (6), intron variant (3).
Genome position (GRCh38, 1-based): chr1:45,333,126, C deleted on the plus strand (G on the coding strand, the reverse complement: MUTYH is on the minus strand). VCF-style (leftmost placement, unchanged base first): chr1-45333125-AC-A. GRCh37 (hg19) VCF-style: chr1-45798797-AC-A.
Other names: c.349del, p.Thr116_Val117insTer (NM_001048171.2, NM_001048173.2, NM_001293195.2 and 6 more transcripts); c.352del, p.Thr117_Val118insTer (NM_001048172.2, NM_001407071.1, NM_001407078.1 and 2 more transcripts); c.433del, p.Thr144_Val145insTer (NM_001128425.2); c.394del, p.Thr131_Val132insTer (NM_001293190.2); c.382del, p.Thr127_Val128insTer (NM_001293191.2, NM_001407077.1); c.73del, p.Thr24_Val25insTer (NM_001293192.2, NM_001293196.2, NM_001407091.1); c.424del, p.Thr141_Val142insTer (NM_001407069.1, NM_012222.3); c.391del, p.Thr130_Val131insTer (NM_001407073.1, NM_001407083.1, NM_001407085.1); and 3 more.
Identifiers: ClinVar variation 4813020 (VCV004813020.1).

ClinVar aggregate classification (germline): Pathogenic (1 of 4 stars; one submission).

Conditions:
Familial adenomatous polyposis 2. Also called: COLORECTAL ADENOMATOUS POLYPOSIS, AUTOSOMAL RECESSIVE; ADENOMAS, MULTIPLE COLORECTAL, AUTOSOMAL RECESSIVE; FAP type 2; MUTYH Polyposis; MYH-associated polyposis; Adenomas, multiple colorectal. Identifiers: Orphanet 220460, Orphanet 247798, MedGen C3272841, MONDO:0012041, OMIM 608456.

Submission:

Myriad Genetics, Inc.
Classification: Pathogenic for Familial adenomatous polyposis 2. Last evaluated: 2025-12-15. Review status: criteria provided, single submitter. Criteria: Myriad Autosomal Dominant, Autosomal Recessive and X-Linked Classification Criteria (2023). Collection method: clinical testing. Allele origin: unknown.
Comment: This variant is considered pathogenic. This variant creates a termination codon and is predicted to result in premature protein truncation.